The following is an entry in ClinVar:

ClinVar aggregate classification (germline): Conflicting classifications of pathogenicity. Review status: criteria provided, conflicting classifications (1 of 4 stars). 2 submissions from 2 submitters: Likely pathogenic (1); Uncertain significance (1). Last evaluated 2024-09-14.

Conditions:
Congenital diarrhea 6. Identifiers: Orphanet 314373, MedGen C3553270, MONDO:0013825, OMIM 614616.
Meconium ileus. Identifiers: Orphanet 314376, MedGen C2939175, MONDO:0054868, HP:0004401.

Allele frequency attached by ClinVar (database versions not stated): gnomAD exomes below 0.00001; ExAC 0.00001; gnomAD 0.00001; 1000 Genomes Project 30x 0.00016; 1000 Genomes Project 0.00020.

Submissions (2):

Labcorp Genetics (formerly Invitae), Labcorp
Classification: Uncertain significance. Last evaluated: 2024-09-14. Review status: criteria provided, single submitter. Criteria: Invitae Variant Classification Sherloc (09022015). Collection method: clinical testing. Allele origin: germline.
Comment: This sequence change replaces isoleucine, which is neutral and non-polar, with valine, which is neutral and non-polar, at codon 514 of the GUCY2C protein (p.Ile514Val). This variant is present in population databases (rs551796026, gnomAD 0.004%). This missense change has been observed in individual(s) with clinical features of meconium ileus (PMID: 33883099). ClinVar contains an entry for this variant (Variation ID: 870488). Invitae Evidence Modeling of protein sequence and biophysical properties (such as structural, functional, and spatial information, amino acid conservation, physicochemical variation, residue mobility, and thermodynamic stability) indicates that this missense variant is not expected to disrupt GUCY2C protein function with a negative predictive value of 80%. In summary, the available evidence is currently insufficient to determine the role of this variant in disease. Therefore, it has been classified as a Variant of Uncertain Significance.

Diagnostics Services (NGS), CSIR - Centre For Cellular And Molecular Biology
Classification: Likely pathogenic for Intestinal obstruction in the newborn due to guanylate cyclase 2C deficiency; Congenital diarrhea 6. Last evaluated: 2020-03-24. Review status: criteria provided, single submitter. Criteria: ACMG Guidelines, 2015. Collection method: clinical testing. Allele origin: unknown. Inheritance: Autosomal recessive inheritance. Affected: yes. Observed: 1 compound heterozygote.
Comment: The c.1540A>G variant is present publicly available databases like 1000 Genomes, ExAC, gnomAD and dbSNP except EVS at a very low frequency, only in heterozygous state (MAF<0.0001). The variant is not present in our in-house exome database. The variant was not reported to OMIM, Human Genome Mutation Database (HGMD) or ClinVar databases in any affected individuals. In-silico pathogenicity prediction programs like PolyPhen-2, MutationTaster2, CADD etc. predicted this variant to be likely deleterious. However there are no documented functional studies to prove this. Because of the specific phenotype and lack of enough evidence the variant has been classified likely pathogenic.

Literature cited by the submitters: PubMed 33883099 (cited by Labcorp Genetics (formerly Invitae), Labcorp).

NM_004963.4(GUCY2C):c.1540A>G (p.Ile514Val)

Gene: GUCY2C (guanylate cyclase 2C; minus strand). Cytogenetic location: 12p12.3.
Variant type: single nucleotide variant.
Coding change: c.1540A>G on transcript NM_004963.4 (MANE Select); coding-DNA position 1540, A replaced by G.
Protein change: p.Ile514Val; replaces isoleucine 514 with valine.
Molecular consequence: missense variant.
Genome position (GRCh38, 1-based): chr12:14,652,024, T>C on the plus strand (A>G on the coding strand, the complement: GUCY2C is on the minus strand). VCF-style: chr12-14652024-T-C. GRCh37 (hg19) VCF-style: chr12-14804958-T-C.
Other names: short protein forms I514V.
Identifiers: ClinVar variation 870488 (VCV000870488.8), dbSNP rs551796026, ClinGen allele CA6463368.